The following is an entry in ClinVar:

NM_024301.5(FKRP):c.391G>A (p.Asp131Asn)

Gene: FKRP (fukutin related protein; plus strand). Cytogenetic location: 19q13.32.
Variant type: single nucleotide variant.
Coding change: c.391G>A on transcript NM_024301.5 (MANE Select); coding-DNA position 391, G replaced by A.
Protein change: p.Asp131Asn; replaces aspartic acid 131 with asparagine.
Molecular consequence: missense variant.
Genome position (GRCh38, 1-based): chr19:46,755,841, G>A. VCF-style: chr19-46755841-G-A. GRCh37 (hg19) VCF-style: chr19-47259098-G-A.
Other names: c.391G>A, p.Asp131Asn (NM_001039885.3); short protein forms D131N.
Identifiers: ClinVar variation 4849860 (VCV004849860.1).

ClinVar aggregate classification (germline): Likely pathogenic (1 of 4 stars; one submission).

Conditions:
Autosomal recessive limb-girdle muscular dystrophy type 2I. Also called: MUSCULAR DYSTROPHY-DYSTROGLYCANOPATHY (LIMB-GIRDLE), TYPE C, 5; MUSCULAR DYSTROPHY, LIMB-GIRDLE, TYPE 2I; MUSCULAR DYSTROPHY-DYSTROGLYCANOPATHY, LIMB-GIRDLE, FRKP-RELATED. Identifiers: Orphanet 34515, MedGen C1846672, MONDO:0011787, OMIM 607155.

Submission:

Egypt Genome Project
Classification: Likely pathogenic for Autosomal recessive limb-girdle muscular dystrophy type 2I. Last evaluated: 2026-02-01. Review status: criteria provided, single submitter. Criteria: ACMG Guidelines, 2015. Collection method: research. Allele origin: germline. Affected: yes.
Comment: The NM_024301.4 c.391G>A is classified as likely pathogenic based on the ACMG/AMP criteria (PM1, PP3, PM2, PM3-supporting)